The following is an entry in ClinVar:

NM_001127898.4(CLCN5):c.2377A>G (p.Ile793Val)

Gene: CLCN5 (Cl-/H+ antiporter 5; plus strand). Cytogenetic location: Xp11.23.
Variant type: single nucleotide variant.
Coding change: c.2377A>G on transcript NM_001127898.4 (MANE Select); coding-DNA position 2377, A replaced by G.
Protein change: p.Ile793Val; replaces isoleucine 793 with valine.
Molecular consequence: missense variant.
Genome position (GRCh38, 1-based): chrX:50,092,145, A>G. VCF-style: chrX-50092145-A-G. GRCh37 (hg19) VCF-style: chrX-49856802-A-G.
Other names: c.2167A>G, p.Ile723Val (NM_000084.5); c.2377A>G, p.Ile793Val (NM_001127899.4); c.2227A>G, p.Ile743Val (NM_001282163.2); short protein forms I793V, I723V, I743V.
Identifiers: ClinVar variation 3667091 (VCV003667091.2).

ClinVar aggregate classification (germline): Uncertain significance (1 of 4 stars; one submission).

gnomAD v4.1: 3 of 1,201,779 alleles (0.00025%); highest among the groups gnomAD compares: Admixed American, 0.0022%; no homozygotes.

Submission:

Labcorp Genetics (formerly Invitae), Labcorp
Classification: Uncertain significance. Last evaluated: 2025-02-03. Review status: criteria provided, single submitter. Criteria: Invitae Variant Classification Sherloc (09022015). Collection method: clinical testing. Allele origin: germline.
Comment: This sequence change replaces isoleucine, which is neutral and non-polar, with valine, which is neutral and non-polar, at codon 723 of the CLCN5 protein (p.Ile723Val). This variant is present in population databases (no rsID available, gnomAD 0.004%). This variant has not been reported in the literature in individuals affected with CLCN5-related conditions. Invitae Evidence Modeling of protein sequence and biophysical properties (such as structural, functional, and spatial information, amino acid conservation, physicochemical variation, residue mobility, and thermodynamic stability) indicates that this missense variant is not expected to disrupt CLCN5 protein function with a negative predictive value of 80%. In summary, the available evidence is currently insufficient to determine the role of this variant in disease. Therefore, it has been classified as a Variant of Uncertain Significance.